The following is an entry in ClinVar:

ClinVar aggregate classification (germline): Uncertain significance (1 of 4 stars; one submission).

Allele frequency attached by ClinVar (database versions not stated): gnomAD exomes 0.00001; gnomAD 0.00004; TOPMed 0.00004.
gnomAD v4.1: 19 of 1,612,968 alleles (0.0012%); highest among the groups gnomAD compares: Non-Finnish European, 0.0016%; no homozygotes.

Submission:

Women's Health and Genetics/Laboratory Corporation of America, LabCorp
Classification: Uncertain significance. Last evaluated: 2023-09-06. Review status: criteria provided, single submitter. Criteria: LabCorp Variant Classification Summary - May 2015. Collection method: clinical testing. Allele origin: germline.
Comment: Variant summary: OSMR c.1286-3C>T alters a conserved nucleotide located close to a canonical splice site and therefore could affect mRNA splicing, leading to a significantly altered protein sequence. Consensus agreement among computation tools predict no significant impact on normal splicing. However, these predictions have yet to be confirmed by functional studies. The variant allele was found at a frequency of 7.1e-06 in 282830 control chromosomes. The available data on variant occurrences in the general population are insufficient to allow any conclusion about variant significance. To our knowledge, no occurrence of c.1286-3C>T in individuals affected with Amyloidosis, Primary Localized Cutaneous, 1 and no experimental evidence demonstrating its impact on protein function have been reported. No submitters have cited clinical-significance assessments for this variant to ClinVar after 2014. Based on the evidence outlined above, the variant was classified as uncertain significance.

NM_003999.3(OSMR):c.1286-3C>T

Gene: OSMR (oncostatin M receptor; plus strand). Cytogenetic location: 5p13.1.
Variant type: single nucleotide variant.
Coding change: c.1286-3C>T on transcript NM_003999.3 (MANE Select); 3 bases into the intron before coding-DNA position 1286, C replaced by T.
Molecular consequence: intron variant.
Genome position (GRCh38, 1-based): chr5:38,917,543, C>T. VCF-style: chr5-38917543-C-T. GRCh37 (hg19) VCF-style: chr5-38917645-C-T.
Other names: c.1289-3C>T (NM_001323506.2); c.1286-3C>T (NM_001323505.2, NM_001323507.2).
Identifiers: ClinVar variation 2627129 (VCV002627129.1), dbSNP rs957059186, ClinGen allele CA117142004.